The following is an entry in ClinVar:

NM_001458.5(FLNC):c.3199G>T (p.Ala1067Ser)

Gene: FLNC (filamin C; plus strand). Cytogenetic location: 7q32.1.
Variant type: single nucleotide variant.
Coding change: c.3199G>T on transcript NM_001458.5 (MANE Select); coding-DNA position 3199, G replaced by T.
Protein change: p.Ala1067Ser; replaces alanine 1067 with serine.
Molecular consequence: missense variant.
Genome position (GRCh38, 1-based): chr7:128,844,664, G>T. VCF-style: chr7-128844664-G-T. GRCh37 (hg19) VCF-style: chr7-128484718-G-T.
Other names: c.3199G>T, p.Ala1067Ser (NM_001127487.2); short protein forms A1067S.
Identifiers: ClinVar variation 3516025 (VCV003516025.1).
Genomic context (GRCh38, chr7:128,844,664, plus strand): 5'-GGCTGGGATGAGGAGGCCAGGTGCAGGGAACCCACAACCTGCCTCTTCCCCTAGGTCTGT[G>T]CTTATGGCCCGGGTCTCAAGGGTGGACTGGTAGGCACCCCCGCGCCATTCTCCATCGACA-3'
Protein context (NP_001449.3, residues 1057-1077): VLPPDPSKVC[Ala1067Ser]YGPGLKGGLV

ClinVar aggregate classification (germline): Uncertain significance (1 of 4 stars; one submission).

Conditions:
Cardiovascular phenotype. Identifiers: MedGen CN230736.

gnomAD v4.1: 1 of 1,611,944 alleles (0.000062%); highest among the groups gnomAD compares: Non-Finnish European, 0.000085%; no homozygotes.

Submission:

Ambry Genetics
Classification: Uncertain significance for Cardiovascular phenotype. Last evaluated: 2024-11-23. Review status: criteria provided, single submitter. Criteria: Ambry Variant Classification Scheme 2023. Collection method: clinical testing. Allele origin: germline.
Comment: The p.A1067S variant (also known as c.3199G>T), located in coding exon 21 of the FLNC gene, results from a G to T substitution at nucleotide position 3199. The alanine at codon 1067 is replaced by serine, an amino acid with similar properties. This amino acid position is conserved. In addition, the in silico prediction for this alteration is inconclusive. Based on the available evidence, the clinical significance of this variant remains unclear.